The following is an entry in ClinVar:

ClinVar aggregate classification (germline): Likely benign. Review status: criteria provided, multiple submitters, no conflicts (2 of 4 stars). 4 submissions from 4 submitters: Likely benign (3). 1 of the submissions does not count toward it. Last evaluated 2026-01-12.

Conditions:
EGFR-related disorder. Also called: EGFR-related condition.
Hereditary cancer-predisposing syndrome. Also called: Neoplastic Syndromes, Hereditary; Hereditary Cancer Syndrome; Tumor predisposition; Hereditary neoplastic syndrome. Identifiers: Orphanet 140162, MedGen C0027672, MeSH D009386, MONDO:0015356.
EGFR-related lung cancer (EGFR). Identifiers: MedGen CN130014.

Allele frequency attached by ClinVar (database versions not stated): gnomAD 0.00002 and 0.00003; gnomAD exomes 0.00005 and 0.00006; ExAC 0.00007; TOPMed 0.00007; ESP Exome Variant Server 0.00008; 1000 Genomes Project 30x 0.00016; 1000 Genomes Project 0.00020.
gnomAD v4.1: 77 of 1,613,906 alleles (0.0048%); highest among the groups gnomAD compares: Middle Eastern, 0.48%; 2 homozygotes.

Submissions (4):

Labcorp Genetics (formerly Invitae), Labcorp
Classification: Likely benign for EGFR-related lung cancer. Last evaluated: 2026-01-12. Review status: criteria provided, single submitter. Criteria: Invitae Variant Classification Sherloc (09022015). Collection method: clinical testing. Allele origin: germline.

Ambry Genetics
Classification: Likely benign for Hereditary cancer-predisposing syndrome. Last evaluated: 2024-11-20. Review status: criteria provided, single submitter. Criteria: Ambry Variant Classification Scheme 2023. Collection method: clinical testing. Allele origin: germline.

Blueprint Genetics
Classification: Likely benign. Last evaluated: 2024-07-16. Review status: criteria provided, single submitter. Criteria: ACMG Guidelines, 2015. Collection method: clinical testing. Allele origin: germline.

PreventionGenetics, part of Exact Sciences
Classification: Likely benign for EGFR-related condition. Last evaluated: 2024-06-20. Review status: no assertion criteria provided. Collection method: clinical testing. Allele origin: germline. Not counted in ClinVar's aggregate classification.
Comment: This variant is classified as likely benign based on ACMG/AMP sequence variant interpretation guidelines (Richards et al. 2015 PMID: 25741868, with internal and published modifications).

NM_005228.5(EGFR):c.660C>T (p.Ser220=)

Gene: EGFR (epidermal growth factor receptor; plus strand). Cytogenetic location: 7p11.2.
Variant type: single nucleotide variant.
Coding change: c.660C>T on transcript NM_005228.5 (MANE Select); coding-DNA position 660, C replaced by T.
Protein change: p.Ser220=; no amino-acid change (serine 220 retained).
Molecular consequence: synonymous variant. On other transcripts: intron variant (1).
Genome position (GRCh38, 1-based): chr7:55,152,577, C>T. VCF-style: chr7-55152577-C-T. GRCh37 (hg19) VCF-style: chr7-55220270-C-T.
Other names: c.660C>T (NM_005228.4, NM_005228.3); c.525C>T, p.Ser175= (NM_001346897.2, NM_001346899.2); c.660C>T, p.Ser220= (NM_001346898.2, NM_201282.2, NM_201283.2 and 1 more transcripts); c.501C>T, p.Ser167= (NM_001346900.2); c.89-3253C>T (NM_001346941.2).
Identifiers: ClinVar variation 1157899 (VCV001157899.12), dbSNP rs45621033, ClinGen allele CA4265312.